The following is an entry in ClinVar:

ClinVar aggregate classification (germline): Uncertain significance (1 of 4 stars; one submission).

Allele frequency attached by ClinVar (database versions not stated): ExAC 0.00001; 1000 Genomes Project 30x 0.00016; 1000 Genomes Project 0.00020; gnomAD 0.00003; gnomAD exomes below 0.00001; TOPMed 0.00001.

Submission:

GeneDx
Classification: Uncertain significance. Last evaluated: 2025-11-12. Review status: criteria provided, single submitter. Criteria: GeneDx Variant Classification Process June 2021. Collection method: clinical testing. Allele origin: germline. Affected: yes.
Comment: In silico analysis supports that this missense variant has a deleterious effect on protein structure/function; Has not been previously published as pathogenic or benign to our knowledge

NM_016239.4(MYO15A):c.9034A>G (p.Met3012Val)

Gene: MYO15A (myosin XVA; plus strand). Cytogenetic location: 17p11.2.
Variant type: single nucleotide variant.
Coding change: c.9034A>G on transcript NM_016239.4 (MANE Select); coding-DNA position 9034, A replaced by G.
Protein change: p.Met3012Val; replaces methionine 3012 with valine.
Molecular consequence: missense variant.
Genome position (GRCh38, 1-based): chr17:18,158,589, A>G. VCF-style: chr17-18158589-A-G. GRCh37 (hg19) VCF-style: chr17-18061903-A-G.
Other names: short protein forms M3012V.
Identifiers: ClinVar variation 2507092 (VCV002507092.2), dbSNP rs546337361, ClinGen allele CA8425349.